The following is an entry in ClinVar:

ClinVar aggregate classification (germline): Likely pathogenic (1 of 4 stars; one submission).

Conditions:
Familial thoracic aortic aneurysm and aortic dissection (TAAD). Also called: Thoracic aortic aneurysms and dissections. Identifiers: Orphanet 91387, MedGen C4707243, MONDO:0019625.

Submission:

Ambry Genetics
Classification: Likely pathogenic for Familial thoracic aortic aneurysm and aortic dissection. Last evaluated: 2017-07-14. Review status: criteria provided, single submitter. Criteria: Ambry Variant Classification Scheme 2023. Collection method: clinical testing. Allele origin: germline.
Comment: The p.M253I variant (also known as c.759G>A), located in coding exon 4 of the TGFBR1 gene, results from a G to A substitution at nucleotide position 759. The methionine at codon 253 is replaced by isoleucine, an amino acid with highly similar properties. This alteration has been reported in individuals with Marfan syndrome and Loeys-Dietz syndrome, with segregation with disease reported in at least one family (Singh KK et al. Hum. Mutat., 2006 Aug;27:770-7; Stheneur C et al. Hum. Mutat., 2008 Nov;29:E284-95; S&ouml;ylen B et al. Clin. Genet., 2009 Mar;75:265-70; Beckmann E et al. Ann. Thorac. Surg., 2014 May;97:e125-7; Jondeau G et al. Circ Cardiovasc Genet, 2016 Dec;9:548-558). This amino acid position is highly conserved in available vertebrate species. In addition, this alteration is predicted to be deleterious by in silico analysis. Based on the majority of available evidence to date, this variant is likely to be pathogenic. . (). (

Literature cited by the submitters: PubMed 16799921; PubMed 18781618; PubMed 19159394; PubMed 24792298; PubMed 27879313.

NM_004612.4(TGFBR1):c.759G>A (p.Met253Ile)

Gene: TGFBR1 (transforming growth factor beta receptor 1; plus strand). Cytogenetic location: 9q22.33.
Variant type: single nucleotide variant.
Coding change: c.759G>A on transcript NM_004612.4 (MANE Select); coding-DNA position 759, G replaced by A.
Protein change: p.Met253Ile; replaces methionine 253 with isoleucine.
Molecular consequence: missense variant.
Genome position (GRCh38, 1-based): chr9:99,138,043, G>A. VCF-style: chr9-99138043-G-A. GRCh37 (hg19) VCF-style: chr9-101900325-G-A.
Other names: c.528G>A, p.Met176Ile (NM_001130916.3); c.771G>A, p.Met257Ile (NM_001306210.2, NM_001407416.1); c.759G>A, p.Met253Ile (NM_001407417.1); c.564G>A, p.Met188Ile (NM_001407418.1, NM_001407419.1, NM_001407420.1 and 1 more transcripts); c.552G>A, p.Met184Ile (NM_001407423.1, NM_001407424.1, NM_001407425.1 and 8 more transcripts); c.513G>A, p.Met171Ile (NM_001407436.1); c.282G>A, p.Met94Ile (NM_001407438.1); short protein forms M171I, M176I, M184I, M188I, M253I, M94I, M257I.
Identifiers: ClinVar variation 1759703 (VCV001759703.2), dbSNP rs2490192138, ClinGen allele CA374230203.